The following is an entry in ClinVar:

ClinVar aggregate classification (germline): Uncertain significance. Review status: criteria provided, multiple submitters, no conflicts (2 of 4 stars). 2 submissions from 2 submitters: Uncertain significance (2). Last evaluated 2024-08-16.

Conditions:
Inborn genetic diseases. Identifiers: MedGen C0950123, MeSH D030342.

Allele frequency attached by ClinVar (database versions not stated): ExAC 0.00001; TOPMed 0.00001; gnomAD exomes 0.00002.
gnomAD v4.1: 24 of 1,614,090 alleles (0.0015%); highest among the groups gnomAD compares: Non-Finnish European, 0.002%; no homozygotes.

Submissions (2):

GeneDx
Classification: Uncertain significance. Last evaluated: 2024-08-16. Review status: criteria provided, single submitter. Criteria: GeneDx Variant Classification Process June 2021. Collection method: clinical testing. Allele origin: germline. Affected: yes.
Comment: Not observed at significant frequency in large population cohorts (gnomAD); In silico analysis supports that this missense variant has a deleterious effect on protein structure/function; Has not been previously published as pathogenic or benign to our knowledge; This variant is associated with the following publications: (PMID: 23472759)

Ambry Genetics
Classification: Uncertain significance for Inborn genetic diseases. Last evaluated: 2023-12-27. Review status: criteria provided, single submitter. Criteria: Ambry Variant Classification Scheme 2023. Collection method: clinical testing. Allele origin: germline.

NM_002291.3(LAMB1):c.1912C>A (p.Pro638Thr)

Gene: LAMB1 (laminin subunit beta 1; minus strand). Cytogenetic location: 7q31.1.
Variant type: single nucleotide variant.
Coding change: c.1912C>A on transcript NM_002291.3 (MANE Select); coding-DNA position 1912, C replaced by A.
Protein change: p.Pro638Thr; replaces proline 638 with threonine.
Molecular consequence: missense variant.
Genome position (GRCh38, 1-based): chr7:107,961,622, G>T on the plus strand (C>A on the coding strand, the complement: LAMB1 is on the minus strand). VCF-style: chr7-107961622-G-T. GRCh37 (hg19) VCF-style: chr7-107602067-G-T.
Other names: short protein forms P638T.
Identifiers: ClinVar variation 3117565 (VCV003117565.2), dbSNP rs747176258, ClinGen allele CA4435829.
Genomic context (GRCh38, chr7:107,961,622, plus strand): 5'-ATAATGACACCACCTGGTTGTCATCATCGGGGATGGTATTACCACATCGGCTGCTGGTTG[G>T]AATCCTTCCAGGTCGCTGCACTGTGATGACAGCTTTTTCCCAGTGGTCGGGTAGCTAGAA-3'
Protein context (NP_002282.2, residues 628-648): VITVQRPGRI[Pro638Thr]TSSRCGNTIP